The following is an entry in ClinVar:

NM_002471.4(MYH6):c.3809G>A (p.Arg1270His)

Gene: MYH6 (myosin heavy chain 6; minus strand). Cytogenetic location: 14q11.2.
Variant type: single nucleotide variant.
Coding change: c.3809G>A on transcript NM_002471.4 (MANE Select); coding-DNA position 3809, G replaced by A.
Protein change: p.Arg1270His; replaces arginine 1270 with histidine.
Molecular consequence: missense variant.
Genome position (GRCh38, 1-based): chr14:23,389,643, C>T on the plus strand (G>A on the coding strand, the complement: MYH6 is on the minus strand). VCF-style: chr14-23389643-C-T. GRCh37 (hg19) VCF-style: chr14-23858852-C-T.
Other names: short protein forms R1270H.
Identifiers: ClinVar variation 546482 (VCV000546482.7), dbSNP rs767603407, ClinGen allele CA7115065.

ClinVar aggregate classification (germline): Uncertain significance. Review status: criteria provided, multiple submitters, no conflicts (2 of 4 stars). 3 submissions from 3 submitters: Uncertain significance (3). Last evaluated 2024-11-04.

Conditions:
Hypertrophic cardiomyopathy 14. Identifiers: MedGen C2750467, MONDO:0013197, OMIM 613251.

Allele frequency attached by ClinVar (database versions not stated): TOPMed below 0.00001; ExAC 0.00001; gnomAD 0.00001; gnomAD exomes 0.00001.
gnomAD v4.1: 8 of 1,614,036 alleles (0.0005%); highest among the groups gnomAD compares: East Asian, 0.0022%; no homozygotes.

Submissions (3):

Labcorp Genetics (formerly Invitae), Labcorp
Classification: Uncertain significance for Hypertrophic cardiomyopathy 14. Last evaluated: 2024-11-04. Review status: criteria provided, single submitter. Criteria: Invitae Variant Classification Sherloc (09022015). Collection method: clinical testing. Allele origin: germline.
Comment: This sequence change replaces arginine, which is basic and polar, with histidine, which is basic and polar, at codon 1270 of the MYH6 protein (p.Arg1270His). This variant is present in population databases (rs767603407, gnomAD 0.003%). This variant has not been reported in the literature in individuals affected with MYH6-related conditions. ClinVar contains an entry for this variant (Variation ID: 546482). Invitae Evidence Modeling of protein sequence and biophysical properties (such as structural, functional, and spatial information, amino acid conservation, physicochemical variation, residue mobility, and thermodynamic stability) has been performed for this missense variant. However, the output from this modeling did not meet the statistical confidence thresholds required to predict the impact of this variant on MYH6 protein function. In summary, the available evidence is currently insufficient to determine the role of this variant in disease. Therefore, it has been classified as a Variant of Uncertain Significance.

Revvity Omics, Revvity
Classification: Uncertain significance. Last evaluated: 2019-04-26. Review status: criteria provided, single submitter. Criteria: ACMG Guidelines, 2015. Collection method: clinical testing. Allele origin: germline.

GeneDx
Classification: Uncertain significance. Last evaluated: 2018-05-25. Review status: criteria provided, single submitter. Criteria: GeneDx Variant Classification (06012015). Collection method: clinical testing. Allele origin: germline. Affected: yes.
Comment: The R1270H variant of uncertain significance in the MYH6 gene has not been published as pathogenic or been reported as benign to our knowledge. This variant is not observed at a significant frequency in large population cohorts (Lek et al., 2016). In-silico analyses, including protein predictors and evolutionary conservation, support a deleterious effect. However, the R1270H variant is a conservative amino acid substitution, which is not likely to impact secondary protein structure as these residues share similar properties.Therefore, based on the currently available information, it is unclear whether this variant is pathogenic or benign.